The following is an entry in ClinVar:

ClinVar aggregate classification (germline): Benign (0 of 4 stars; one submission).

Conditions:
PPFIA1-related disorder. Also called: PPFIA1-related condition.

Allele frequency attached by ClinVar (database versions not stated): 1000 Genomes Project 30x 0.19129; ESP Exome Variant Server 0.19287; TOPMed 0.19333; 1000 Genomes Project 0.19369; gnomAD 0.20318; ExAC 0.21722; gnomAD exomes 0.22251.

Submission:

PreventionGenetics, part of Exact Sciences
Classification: Benign for PPFIA1-related condition. Last evaluated: 2019-10-21. Review status: no assertion criteria provided. Collection method: clinical testing. Allele origin: germline.
Comment: This variant is classified as benign based on ACMG/AMP sequence variant interpretation guidelines (Richards et al. 2015 PMID: 25741868, with internal and published modifications).

NM_003626.5(PPFIA1):c.211G>A (p.Val71Ile)

Gene: PPFIA1 (PTPRF interacting protein alpha 1; plus strand). Cytogenetic location: 11q13.3.
Variant type: single nucleotide variant.
Coding change: c.211G>A on transcript NM_003626.5 (MANE Select); coding-DNA position 211, G replaced by A.
Protein change: p.Val71Ile; replaces valine 71 with isoleucine.
Molecular consequence: missense variant. On other transcripts: non-coding transcript variant (1).
Genome position (GRCh38, 1-based): chr11:70,272,383, G>A. VCF-style: chr11-70272383-G-A. GRCh37 (hg19) VCF-style: chr11-70118489-G-A.
Other names: c.211G>A, p.Val71Ile (NM_001378006.1, NM_177423.3); short protein forms V71I.
Identifiers: ClinVar variation 3055877 (VCV003055877.2), dbSNP rs546502, ClinGen allele CA6158570.